The following is an entry in ClinVar:

ClinVar aggregate classification (germline): Likely pathogenic (1 of 4 stars; one submission).

Submission:

GeneDx
Classification: Likely pathogenic. Last evaluated: 2017-04-07. Review status: criteria provided, single submitter. Criteria: GeneDx Variant Classification (06012015). Collection method: clinical testing. Allele origin: germline. Affected: yes.
Comment: The H1663P variant in the KMT2B gene has not been reported previously as a pathogenic variant, nor as a benign variant, to our knowledge. The H1663P variant is not observed in large population cohorts (Lek et al., 2016; 1000 Genomes Consortium et al., 2015; Exome Variant Server). The H1663P variant is a conservative amino acid substitution, which is not likely to impact secondary protein structure as these residues share similar properties. This substitution occurs at a position that is conserved across species. In silico analysis predicts this variant is probably damaging to the protein structure/function. Therefore, we interpret H1663P as a likely pathogenic variant.

NM_014727.3(KMT2B):c.4988A>C (p.His1663Pro)

Gene: KMT2B (lysine methyltransferase 2B; plus strand). Cytogenetic location: 19q13.12.
Variant type: single nucleotide variant.
Coding change: c.4988A>C on transcript NM_014727.3 (MANE Select); coding-DNA position 4988, A replaced by C.
Protein change: p.His1663Pro; replaces histidine 1663 with proline.
Molecular consequence: missense variant.
Genome position (GRCh38, 1-based): chr19:35,730,037, A>C. VCF-style: chr19-35730037-A-C. GRCh37 (hg19) VCF-style: chr19-36220938-A-C.
Other names: short protein forms H1663P.
Identifiers: ClinVar variation 426700 (VCV000426700.2), dbSNP rs1085307751, ClinGen allele CA405418962.
Genomic context (GRCh38, chr19:35,730,037, plus strand): 5'-TCTGCCTGAAGCCTGGCGCCACGGTGGGCTGCTGCCTGTCCTCCTGCCTCAGCAACTTCC[A>C]CTTCATGTGTGCCCGGGCCAGCTACTGCATCTTCCAGGATGACAAGAAAGTCTTCTGCCA-3'
Protein context (NP_055542.1, residues 1653-1673): CCLSSCLSNF[His1663Pro]FMCARASYCI